The following is an entry in ClinVar:

NM_006231.4(POLE):c.4655C>T (p.Thr1552Ile)

Gene: POLE (DNA polymerase epsilon, catalytic subunit; minus strand). Cytogenetic location: 12q24.33.
Variant type: single nucleotide variant.
Coding change: c.4655C>T on transcript NM_006231.4 (MANE Select); coding-DNA position 4655, C replaced by T.
Protein change: p.Thr1552Ile; replaces threonine 1552 with isoleucine.
Molecular consequence: missense variant.
Genome position (GRCh38, 1-based): chr12:132,642,893, G>A on the plus strand (C>T on the coding strand, the complement: POLE is on the minus strand). VCF-style: chr12-132642893-G-A. GRCh37 (hg19) VCF-style: chr12-133219479-G-A.
Other names: c.4655C>T (NM_006231.2); short protein forms T1552I.
Identifiers: ClinVar variation 3624687 (VCV003624687.3).

ClinVar aggregate classification (germline): Uncertain significance. Review status: criteria provided, multiple submitters, no conflicts (2 of 4 stars). 2 submissions from 2 submitters: Uncertain significance (2). Last evaluated 2026-08-26.

Conditions:
Hereditary cancer-predisposing syndrome. Also called: Hereditary neoplastic syndrome; Neoplastic Syndromes, Hereditary; Tumor predisposition; Hereditary Cancer Syndrome. Identifiers: Orphanet 140162, MedGen C0027672, MeSH D009386, MONDO:0015356.

gnomAD v4.1: 1 of 1,613,894 alleles (0.000062%); highest among the groups gnomAD compares: South Asian, 0.0011%; no homozygotes.

Submissions (2):

Ambry Genetics
Classification: Uncertain significance for Hereditary cancer-predisposing syndrome. Last evaluated: 2026-08-26. Review status: criteria provided, single submitter. Criteria: Ambry Variant Classification Scheme 2023. Collection method: clinical testing. Allele origin: germline.
Comment: The p.T1552I variant (also known as c.4655C>T), located in coding exon 36 of the POLE gene, results from a C to T substitution at nucleotide position 4655. The threonine at codon 1552 is replaced by isoleucine, an amino acid with similar properties. This amino acid position is conserved. In addition, this alteration is predicted to be tolerated by in silico analysis. Based on the available evidence, the clinical significance of this variant remains unclear.

Labcorp Genetics (formerly Invitae), Labcorp
Classification: Uncertain significance. Last evaluated: 2024-08-29. Review status: criteria provided, single submitter. Criteria: Invitae Variant Classification Sherloc (09022015). Collection method: clinical testing. Allele origin: germline.
Comment: This sequence change replaces threonine, which is neutral and polar, with isoleucine, which is neutral and non-polar, at codon 1552 of the POLE protein (p.Thr1552Ile). This variant is not present in population databases (gnomAD no frequency). This variant has not been reported in the literature in individuals affected with POLE-related conditions. Invitae Evidence Modeling of protein sequence and biophysical properties (such as structural, functional, and spatial information, amino acid conservation, physicochemical variation, residue mobility, and thermodynamic stability) indicates that this missense variant is not expected to disrupt POLE protein function with a negative predictive value of 80%. In summary, the available evidence is currently insufficient to determine the role of this variant in disease. Therefore, it has been classified as a Variant of Uncertain Significance.